The following is an entry in ClinVar:

ClinVar aggregate classification (germline): Conflicting classifications of pathogenicity. Review status: criteria provided, conflicting classifications (1 of 4 stars). 2 submissions from 2 submitters: Uncertain significance (1); Likely benign (1). Last evaluated 2024-09-10.

Conditions:
Inborn genetic diseases. Identifiers: MedGen C0950123, MeSH D030342.

Allele frequency attached by ClinVar (database versions not stated): ExAC 0.00001; TOPMed 0.00003; gnomAD 0.00004; ESP Exome Variant Server 0.00008.
gnomAD v4.1: 25 of 1,614,182 alleles (0.0015%); highest among the groups gnomAD compares: Middle Eastern, 0.016%; no homozygotes.

Submissions (2):

Labcorp Genetics (formerly Invitae), Labcorp
Classification: Uncertain significance. Last evaluated: 2024-09-10. Review status: criteria provided, single submitter. Criteria: Invitae Variant Classification Sherloc (09022015). Collection method: clinical testing. Allele origin: germline.
Comment: This sequence change replaces alanine, which is neutral and non-polar, with threonine, which is neutral and polar, at codon 164 of the PDYN protein (p.Ala164Thr). This variant is present in population databases (rs376124198, gnomAD 0.006%). This variant has not been reported in the literature in individuals affected with PDYN-related conditions. ClinVar contains an entry for this variant (Variation ID: 2187865). Invitae Evidence Modeling of protein sequence and biophysical properties (such as structural, functional, and spatial information, amino acid conservation, physicochemical variation, residue mobility, and thermodynamic stability) indicates that this missense variant is not expected to disrupt PDYN protein function with a negative predictive value of 80%. In summary, the available evidence is currently insufficient to determine the role of this variant in disease. Therefore, it has been classified as a Variant of Uncertain Significance.

Ambry Genetics
Classification: Likely benign for Inborn genetic diseases. Last evaluated: 2022-12-13. Review status: criteria provided, single submitter. Criteria: Ambry Variant Classification Scheme 2023. Collection method: clinical testing. Allele origin: germline.

NM_024411.5(PDYN):c.490G>A (p.Ala164Thr)

Genes: PDYN (prodynorphin; minus strand), PDYN-AS1 (PDYN antisense RNA 1; plus strand). Cytogenetic location: 20p13.
Variant type: single nucleotide variant.
Coding change: c.490G>A on transcript NM_024411.5 (MANE Select); coding-DNA position 490, G replaced by A.
Protein change: p.Ala164Thr; replaces alanine 164 with threonine.
Molecular consequence: missense variant.
Genome position (GRCh38, 1-based): chr20:1,980,598, C>T on the plus strand (G>A on the coding strand, the complement: PDYN is on the minus strand). VCF-style: chr20-1980598-C-T. GRCh37 (hg19) VCF-style: chr20-1961244-C-T.
Other names: c.490G>A (NM_024411.4); c.490G>A, p.Ala164Thr (NM_001190892.1, NM_001190898.3, NM_001190899.2 and 1 more transcripts); short protein forms A164T.
Identifiers: ClinVar variation 2187865 (VCV002187865.5), dbSNP rs376124198, ClinGen allele CA9730288.